The following is an entry in ClinVar:

ClinVar aggregate classification (germline): Benign/Likely benign. Review status: criteria provided, multiple submitters, no conflicts (2 of 4 stars). 3 submissions from 3 submitters: Benign (1); Likely benign (2). Last evaluated 2025-05-05.

Conditions:
Pheochromocytoma/paraganglioma syndrome 5. Also called: Paragangliomas 5; SDHA-Related Hereditary Paraganglioma-Pheochromocytoma Syndrome. Identifiers: Orphanet 29072, MedGen C3279992, MONDO:0013602, OMIM 614165.
Mitochondrial complex II deficiency, nuclear type 1. Also called: SUCCINATE CoQ REDUCTASE DEFICIENCY. Identifiers: Orphanet 3208, MedGen C5700310, MONDO:0100294, OMIM 252011.
Hereditary cancer-predisposing syndrome. Also called: Tumor predisposition; Hereditary Cancer Syndrome; Hereditary neoplastic syndrome; Neoplastic Syndromes, Hereditary. Identifiers: Orphanet 140162, MedGen C0027672, MeSH D009386, MONDO:0015356.

Allele frequency attached by ClinVar (database versions not stated): gnomAD exomes below 0.00001.
gnomAD v4.1: 2 of 1,614,046 alleles (0.00012%); highest among the groups gnomAD compares: African/African-American, 0.0013%; no homozygotes.

Submissions (3):

Labcorp Genetics (formerly Invitae), Labcorp
Classification: Likely benign for Pheochromocytoma/paraganglioma syndrome 5; Mitochondrial complex II deficiency, nuclear type 1. Last evaluated: 2025-05-05. Review status: criteria provided, single submitter. Criteria: Invitae Variant Classification Sherloc (09022015). Collection method: clinical testing. Allele origin: germline.

Myriad Genetics, Inc.
Classification: Benign for Pheochromocytoma/paraganglioma syndrome 5. Last evaluated: 2025-03-07. Review status: criteria provided, single submitter. Criteria: Myriad Autosomal Dominant, Autosomal Recessive and X-Linked Classification Criteria (2023). Collection method: clinical testing. Allele origin: unknown.
Comment: This variant is considered benign. This variant is a silent/synonymous amino acid change and it is not expected to impact splicing.

Ambry Genetics
Classification: Likely benign for Hereditary cancer-predisposing syndrome. Last evaluated: 2023-06-30. Review status: criteria provided, single submitter. Criteria: Ambry Variant Classification Scheme 2023. Collection method: clinical testing. Allele origin: germline.

NM_004168.4(SDHA):c.1167C>T (p.Ile389=)

Gene: SDHA (succinate dehydrogenase complex flavoprotein subunit A; plus strand). Cytogenetic location: 5p15.33.
Variant type: single nucleotide variant.
Coding change: c.1167C>T on transcript NM_004168.4 (MANE Select); coding-DNA position 1167, C replaced by T.
Protein change: p.Ile389=; no amino-acid change (isoleucine 389 retained).
Molecular consequence: synonymous variant.
Genome position (GRCh38, 1-based): chr5:235,246, C>T. VCF-style: chr5-235246-C-T. GRCh37 (hg19) VCF-style: chr5-235361-C-T.
Other names: c.1023C>T, p.Ile341= (NM_001294332.2); c.1167C>T, p.Ile389= (NM_001330758.2); c.1167C>T (NM_004168.2).
Identifiers: ClinVar variation 1569652 (VCV001569652.11), dbSNP rs2126584963, ClinGen allele CA442691988.